The following is an entry in ClinVar:

NM_000038.6(APC):c.2714G>T (p.Ser905Ile)

Gene: APC (APC regulator of Wnt signaling pathway; plus strand). Cytogenetic location: 5q22.2.
Variant type: single nucleotide variant.
Coding change: c.2714G>T on transcript NM_000038.6 (MANE Select); coding-DNA position 2714, G replaced by T.
Protein change: p.Ser905Ile; replaces serine 905 with isoleucine.
Molecular consequence: missense variant. On other transcripts: non-coding transcript variant (2).
Genome position (GRCh38, 1-based): chr5:112,838,308, G>T. VCF-style: chr5-112838308-G-T. GRCh37 (hg19) VCF-style: chr5-112174005-G-T.
Other names: c.2714G>T, p.Ser905Ile (NM_001127510.3, NM_001354895.2, NM_001407450.1); c.2660G>T, p.Ser887Ile (NM_001127511.3); c.2768G>T, p.Ser923Ile (NM_001354896.2, NM_001407447.1, NM_001407448.1 and 1 more transcripts); c.2744G>T, p.Ser915Ile (NM_001354897.2); c.2639G>T, p.Ser880Ile (NM_001354898.2); c.2630G>T, p.Ser877Ile (NM_001354899.2); c.2591G>T, p.Ser864Ile (NM_001354900.2); c.2537G>T, p.Ser846Ile (NM_001354901.2, NM_001407453.1); and 11 more; short protein forms S745I, S779I, S814I, S822I, S905I, S804I, S895I, S915I.
Identifiers: ClinVar variation 2566974 (VCV002566974.4), dbSNP rs1580626106, ClinGen allele CA16027258.
Genomic context (GRCh38, chr5:112,838,308, plus strand): 5'-CCCAGATTGCCAAAGTCATGGAAGAAGTGTCAGCCATTCATACCTCTCAGGAAGACAGAA[G>T]TTCTGGGTCTACCACTGAATTACATTGTGTGACAGATGAGAGAAATGCACTTAGAAGAAG-3'
Protein context (NP_000029.2, residues 895-915): SAIHTSQEDR[Ser905Ile]SGSTTELHCV

ClinVar aggregate classification (germline): Uncertain significance. Review status: criteria provided, multiple submitters, no conflicts (2 of 4 stars). 2 submissions from 2 submitters: Uncertain significance (2). Last evaluated 2024-12-18.

Conditions:
Hereditary cancer-predisposing syndrome. Also called: Hereditary neoplastic syndrome; Hereditary Cancer Syndrome; Neoplastic Syndromes, Hereditary; Tumor predisposition. Identifiers: Orphanet 140162, MedGen C0027672, MeSH D009386, MONDO:0015356.
Familial adenomatous polyposis 1 (FAP1). Also called: POLYPOSIS, ADENOMATOUS INTESTINAL; FAMILIAL ADENOMATOUS POLYPOSIS 1, ATTENUATED. Identifiers: MedGen C2713442, MONDO:0021056, OMIM 175100. Disease mechanism: loss of function.

Submissions (2):

Labcorp Genetics (formerly Invitae), Labcorp
Classification: Uncertain significance for Familial adenomatous polyposis 1. Last evaluated: 2024-12-18. Review status: criteria provided, single submitter. Criteria: Invitae Variant Classification Sherloc (09022015). Collection method: clinical testing. Allele origin: germline.
Comment: This sequence change replaces serine, which is neutral and polar, with isoleucine, which is neutral and non-polar, at codon 905 of the APC protein (p.Ser905Ile). This variant is not present in population databases (gnomAD no frequency). This variant has not been reported in the literature in individuals affected with APC-related conditions. ClinVar contains an entry for this variant (Variation ID: 2566974). Invitae Evidence Modeling of protein sequence and biophysical properties (such as structural, functional, and spatial information, amino acid conservation, physicochemical variation, residue mobility, and thermodynamic stability) indicates that this missense variant is not expected to disrupt APC protein function with a negative predictive value of 95%. In summary, the available evidence is currently insufficient to determine the role of this variant in disease. Therefore, it has been classified as a Variant of Uncertain Significance.

Ambry Genetics
Classification: Uncertain significance for Hereditary cancer-predisposing syndrome. Last evaluated: 2023-04-18. Review status: criteria provided, single submitter. Criteria: Ambry Variant Classification Scheme 2023. Collection method: clinical testing. Allele origin: germline.
Comment: The p.S905I variant (also known as c.2714G>T), located in coding exon 15 of the APC gene, results from a G to T substitution at nucleotide position 2714. The serine at codon 905 is replaced by isoleucine, an amino acid with dissimilar properties. This amino acid position is conserved. In addition, in silico predictors for this gene do not accurately predict pathogenicity. Since supporting evidence is limited at this time, the clinical significance of this alteration remains unclear.